The following is an entry in ClinVar:

NM_198252.3(GSN):c.887-3C>G

Gene: GSN (gelsolin; plus strand). Cytogenetic location: 9q33.2.
Variant type: single nucleotide variant.
Coding change: c.887-3C>G on transcript NM_198252.3 (MANE Select); 3 bases into the intron before coding-DNA position 887, C replaced by G.
Molecular consequence: intron variant.
Genome position (GRCh38, 1-based): chr9:121,318,403, C>G. VCF-style: chr9-121318403-C-G. GRCh37 (hg19) VCF-style: chr9-124080681-C-G.
Other names: c.887-3C>G (NM_001353054.1, NM_001353053.1, NM_001353060.2 and 10 more transcripts); c.920-3C>G (NM_001353064.2, NM_001353066.2, NM_001353073.2 and 13 more transcripts); c.995-3C>G (NM_001127663.2); c.959-3C>G (NM_001353076.2); c.233-3C>G (NM_001353078.2); c.938-3C>G (NM_001258029.2); c.911-3C>G (NM_001258030.2); c.1040-3C>G (NM_000177.5).
Identifiers: ClinVar variation 4719229 (VCV004719229.1).

ClinVar aggregate classification (germline): Uncertain significance (1 of 4 stars; one submission).

Submission:

Labcorp Genetics (formerly Invitae), Labcorp
Classification: Uncertain significance. Last evaluated: 2025-07-29. Review status: criteria provided, single submitter. Criteria: Invitae Variant Classification Sherloc (09022015). Collection method: clinical testing. Allele origin: germline.
Comment: This sequence change falls in intron 7 of the GSN gene. It does not directly change the encoded amino acid sequence of the GSN protein. It affects a nucleotide within the consensus splice site. This variant is not present in population databases (gnomAD no frequency). This variant has not been reported in the literature in individuals affected with GSN-related conditions. Variants that disrupt the consensus splice site are a relatively common cause of aberrant splicing (PMID: 17576681, 9536098). Algorithms developed to predict the effect of sequence changes on RNA splicing suggest that this variant may disrupt the consensus splice site. In summary, the available evidence is currently insufficient to determine the role of this variant in disease. Therefore, it has been classified as a Variant of Uncertain Significance.

Literature cited by the submitters: PubMed 17576681; PubMed 9536098.